The following is an entry in ClinVar:

NM_025265.4(TSEN2):c.770_776delinsCA (p.Tyr257fs)

Gene: TSEN2 (tRNA splicing endonuclease subunit 2; plus strand). Cytogenetic location: 3p25.2.
Variant type: Indel.
Coding change: c.770_776delinsCA on transcript NM_025265.4 (MANE Select); coding-DNA positions 770 to 776, ACGTGCT replaced by CA.
Protein change: p.Tyr257fs; shifts the reading frame from tyrosine 257.
Molecular consequence: frameshift variant. On other transcripts: non-coding transcript variant (1).
Genome position (GRCh38, 1-based): chr3:12,503,723-12,503,729, ACGTGCT replaced by CA. VCF-style: chr3-12503723-ACGTGCT-CA. GRCh37 (hg19) VCF-style: chr3-12545222-ACGTGCT-CA.
Other names: c.770_776delinsCA, p.Tyr257fs (NM_001145392.2, NM_001145393.3, NM_001321277.2 and 2 more transcripts); c.593_599delinsCA, p.Tyr198fs (NM_001145394.2); short protein forms Y257fs, Y198fs.
Identifiers: ClinVar variation 1031439 (VCV001031439.1), dbSNP rs2054534882, ClinGen allele CA1346180621.

ClinVar aggregate classification (germline): Pathogenic (1 of 4 stars; one submission).

Conditions:
Pontocerebellar hypoplasia type 2B (PCH2B). Identifiers: Orphanet 2524, MedGen C2676466, MONDO:0012890, OMIM 612389.

Submission:

Baylor Genetics
Classification: Pathogenic for Pontocerebellar hypoplasia type 2B. Last evaluated: 2018-12-17. Review status: criteria provided, single submitter. Criteria: ACMG Guidelines, 2015. Collection method: clinical testing. Allele origin: paternal. Affected: yes.
Comment: This variant was determined to be pathogenic according to ACMG Guidelines, 2015 [PMID:25741868].